The following is an entry in ClinVar:

ClinVar aggregate classification (germline): Conflicting classifications of pathogenicity. Review status: criteria provided, conflicting classifications (1 of 4 stars). 8 submissions from 8 submitters: Uncertain significance (7); Likely benign (1). Last evaluated 2025-02-27.

Conditions:
BRCA2-related cancer predisposition. Identifiers: MedGen CN377758, MONDO:0700269.
Hereditary cancer-predisposing syndrome. Also called: Hereditary Cancer Syndrome; Tumor predisposition; Hereditary neoplastic syndrome; Neoplastic Syndromes, Hereditary. Identifiers: Orphanet 140162, MedGen C0027672, MeSH D009386, MONDO:0015356.
Hereditary breast ovarian cancer syndrome. Also called: Hereditary breast and ovarian cancer syndrome (HBOC); Breast and ovarian cancer; Hereditary breast and/or ovarian cancer syndrome; Hereditary breast and ovarian cancer; Hereditary breast and ovarian cancer syndrome; BRCA1- and BRCA2-Associated Hereditary Breast and Ovarian Cancer. Identifiers: Orphanet 145, MedGen C0677776, MeSH D061325, MONDO:0003582. Disease mechanism: loss of function.

Allele frequency attached by ClinVar (database versions not stated): TOPMed below 0.00001.
gnomAD v4.1: 1 of 1,583,760 alleles (0.000063%); highest among the groups gnomAD compares: Non-Finnish European, 0.000087%; no homozygotes.

Submissions (8):

Quest Diagnostics Nichols Institute San Juan Capistrano
Classification: Uncertain significance. Last evaluated: 2025-02-27. Review status: criteria provided, single submitter. Criteria: Quest Diagnostics criteria. Collection method: clinical testing. Allele origin: unknown.
Comment: The BRCA2 c.6888A>G (p.Ile2296Met) variant has not been reported in individuals with BRCA2-related conditions in the published literature. It also has not been reported in large, multi-ethnic general populations (Genome Aggregation Database). Analysis of this variant using bioinformatics tools for the prediction of the effect of amino acid changes on protein structure and function yielded predictions that this variant is benign. Based on the available information, we are unable to determine the clinical significance of this variant.

Blueprint Genetics
Classification: Likely benign. Last evaluated: 2024-10-28. Review status: criteria provided, single submitter. Criteria: ACMG Guidelines, 2015. Collection method: clinical testing. Allele origin: germline.

All of Us Research Program, National Institutes of Health
Classification: Uncertain significance for BRCA2-related cancer predisposition. Last evaluated: 2024-08-13. Review status: criteria provided, single submitter. Criteria: ACMG Guidelines, 2015. Collection method: clinical testing. Allele origin: germline. Inheritance: Autosomal dominant inheritance. Observed: 1 variant allele, 1 heterozygote.
Comment: This missense variant replaces isoleucine with methionine at codon 2296 of the BRCA2 protein. Computational prediction suggests that this variant may not impact protein structure and function (internally defined REVEL score threshold <= 0.5, PMID: 27666373). To our knowledge, functional studies have not been reported for this variant. This variant has not been reported in individuals affected with BRCA2-related disorders in the literature. This variant has not been identified in the general population by the Genome Aggregation Database (gnomAD). The available evidence is insufficient to determine the role of this variant in disease conclusively. Therefore, this variant is classified as a Variant of Uncertain Significance.

This study involves interpretation of variants in research participants for the purpose of population health screening. Participant phenotype was not available at the time of variant classification. Additional details can be found in publication PMID: 35346344, PMCID: PMC8962531

Labcorp Genetics (formerly Invitae), Labcorp
Classification: Uncertain significance for Hereditary breast ovarian cancer syndrome. Last evaluated: 2024-01-24. Review status: criteria provided, single submitter. Criteria: Invitae Variant Classification Sherloc (09022015). Collection method: clinical testing. Allele origin: germline.
Comment: This sequence change replaces isoleucine, which is neutral and non-polar, with methionine, which is neutral and non-polar, at codon 2296 of the BRCA2 protein (p.Ile2296Met). This variant is not present in population databases (gnomAD no frequency). This variant has not been reported in the literature in individuals affected with BRCA2-related conditions. ClinVar contains an entry for this variant (Variation ID: 252458). Advanced modeling of protein sequence and biophysical properties (such as structural, functional, and spatial information, amino acid conservation, physicochemical variation, residue mobility, and thermodynamic stability) performed at Invitae indicates that this missense variant is not expected to disrupt BRCA2 protein function with a negative predictive value of 95%. In summary, the available evidence is currently insufficient to determine the role of this variant in disease. Therefore, it has been classified as a Variant of Uncertain Significance.

Ambry Genetics
Classification: Uncertain significance for Hereditary cancer-predisposing syndrome. Last evaluated: 2023-12-16. Review status: criteria provided, single submitter. Criteria: Ambry Variant Classification Scheme 2023. Collection method: clinical testing. Allele origin: germline.
Comment: The p.I2296M variant (also known as c.6888A>G), located in coding exon 11 of the BRCA2 gene, results from an A to G substitution at nucleotide position 6888. The isoleucine at codon 2296 is replaced by methionine, an amino acid with highly similar properties. This amino acid position is not well conserved in available vertebrate species. In addition, the in silico prediction for this alteration is inconclusive. Since supporting evidence is limited at this time, the clinical significance of this alteration remains unclear.

Color Diagnostics, LLC DBA Color Health
Classification: Uncertain significance for Hereditary cancer-predisposing syndrome. Last evaluated: 2023-12-05. Review status: criteria provided, single submitter. Criteria: ACMG Guidelines, 2015. Collection method: clinical testing. Allele origin: germline.
Comment: This missense variant replaces isoleucine with methionine at codon 2296 of the BRCA2 protein. Computational prediction suggests that this variant may not impact protein structure and function (internally defined REVEL score threshold <= 0.5, PMID: 27666373). To our knowledge, functional studies have not been reported for this variant. This variant has not been reported in individuals affected with BRCA2-related disorders in the literature. This variant has not been identified in the general population by the Genome Aggregation Database (gnomAD). The available evidence is insufficient to determine the role of this variant in disease conclusively. Therefore, this variant is classified as a Variant of Uncertain Significance.

Mendelics
Classification: Uncertain significance. Last evaluated: 2022-05-04. Review status: criteria provided, single submitter. Criteria: Mendelics Assertion Criteria 2019. Collection method: clinical testing. Allele origin: germline.

Genomic Diagnostic Laboratory, Division of Genomic Diagnostics, Children's Hospital of Philadelphia
Classification: Uncertain significance for Hereditary Breast and Ovarian Cancer. Last evaluated: 2015-10-30. Review status: criteria provided, single submitter. Criteria: DGD Variant Analysis Guidelines. Collection method: clinical testing. Allele origin: unknown.

NM_000059.4(BRCA2):c.6888A>G (p.Ile2296Met)

Gene: BRCA2 (BRCA2 DNA repair associated; plus strand). Cytogenetic location: 13q13.1.
Variant type: single nucleotide variant.
Coding change: c.6888A>G on transcript NM_000059.4 (MANE Select); coding-DNA position 6888, A replaced by G.
Protein change: p.Ile2296Met; replaces isoleucine 2296 with methionine.
Molecular consequence: missense variant.
Genome position (GRCh38, 1-based): chr13:32,344,604, A>G. VCF-style: chr13-32344604-A-G. GRCh37 (hg19) VCF-style: chr13-32918741-A-G.
Other names: short protein forms I2296M.
Identifiers: ClinVar variation 252458 (VCV000252458.25), dbSNP rs879255335, ClinGen allele CA10586014.